The following is an entry in ClinVar:

NM_000836.4(GRIN2D):c.1065C>T (p.His355=)

Gene: GRIN2D (glutamate ionotropic receptor NMDA type subunit 2D; plus strand). Cytogenetic location: 19q13.33.
Variant type: single nucleotide variant.
Coding change: c.1065C>T on transcript NM_000836.4 (MANE Select); coding-DNA position 1065, C replaced by T.
Protein change: p.His355=; no amino-acid change (histidine 355 retained).
Molecular consequence: synonymous variant.
Genome position (GRCh38, 1-based): chr19:48,405,333, C>T. VCF-style: chr19-48405333-C-T. GRCh37 (hg19) VCF-style: chr19-48908590-C-T.
Identifiers: ClinVar variation 2650199 (VCV002650199.24), dbSNP rs2513664920, ClinGen allele CA508037833.

ClinVar aggregate classification (germline): Likely benign (1 of 4 stars; one submission).

Submission:

CeGaT Center for Human Genetics Tuebingen
Classification: Likely benign. Last evaluated: 2023-10-01. Review status: criteria provided, single submitter. Criteria: CeGaT Center For Human Genetics Tuebingen Variant Classification Criteria Version 2. Collection method: clinical testing. Allele origin: germline. Affected: yes. Observed: 1 variant allele.
Comment: GRIN2D: PM2:Supporting, BP4, BP7